The following is an entry in ClinVar:

ClinVar aggregate classification (germline): Uncertain significance. Review status: criteria provided, multiple submitters, no conflicts (2 of 4 stars). 2 submissions from 2 submitters: Uncertain significance (2). Last evaluated 2025-06-18.

Allele frequency attached by ClinVar (database versions not stated): 1000 Genomes Project 30x 0.00047.

Submissions (2):

Labcorp Genetics (formerly Invitae), Labcorp
Classification: Uncertain significance. Last evaluated: 2025-06-18. Review status: criteria provided, single submitter. Criteria: Invitae Variant Classification Sherloc (09022015). Collection method: clinical testing. Allele origin: germline.
Comment: This sequence change replaces glutamic acid, which is acidic and polar, with lysine, which is basic and polar, at codon 400 of the C1S protein (p.Glu400Lys). This variant is present in population databases (rs150549869, gnomAD 0.1%). This variant has not been reported in the literature in individuals affected with C1S-related conditions. ClinVar contains an entry for this variant (Variation ID: 2896034). An algorithm developed to predict the effect of missense changes on protein structure and function (PolyPhen-2) suggests that this variant is likely to be tolerated. In summary, the available evidence is currently insufficient to determine the role of this variant in disease. Therefore, it has been classified as a Variant of Uncertain Significance.

Blueprint Genetics
Classification: Uncertain significance. Last evaluated: 2023-02-17. Review status: criteria provided, single submitter. Criteria: ACMG Guidelines, 2015. Collection method: clinical testing. Allele origin: germline.

NM_001734.5(C1S):c.1198G>A (p.Glu400Lys)

Gene: C1S (complement C1s; plus strand). Cytogenetic location: 12p13.31.
Variant type: single nucleotide variant.
Coding change: c.1198G>A on transcript NM_001734.5 (MANE Select); coding-DNA position 1198, G replaced by A.
Protein change: p.Glu400Lys; replaces glutamic acid 400 with lysine.
Molecular consequence: missense variant.
Genome position (GRCh38, 1-based): chr12:7,068,458, G>A. VCF-style: chr12-7068458-G-A. GRCh37 (hg19) VCF-style: chr12-7175762-G-A.
Other names: c.697G>A, p.Glu233Lys (NM_001346850.2); c.1198G>A, p.Glu400Lys (NM_201442.4); short protein forms E400K, E233K.
Identifiers: ClinVar variation 2896034 (VCV002896034.4), dbSNP rs150549869, ClinGen allele CA6423721.